The following is an entry in ClinVar:

NM_001329943.3(KIAA0586):c.253C>T (p.Pro85Ser)

Gene: KIAA0586 (KIAA0586; plus strand). Cytogenetic location: 14q23.1.
Variant type: single nucleotide variant.
Coding change: c.253C>T on transcript NM_001329943.3 (MANE Select); coding-DNA position 253, C replaced by T.
Protein change: p.Pro85Ser; replaces proline 85 with serine.
Molecular consequence: missense variant. On other transcripts: 5 prime UTR variant (5).
Genome position (GRCh38, 1-based): chr14:58,429,416, C>T. VCF-style: chr14-58429416-C-T. GRCh37 (hg19) VCF-style: chr14-58896134-C-T.
Other names: c.289C>T, p.Pro97Ser (NM_001244189.2); c.208C>T, p.Pro70Ser (NM_001244190.2); c.-3C>T (NM_001244191.2, NM_001244192.2, NM_001329945.2 and 2 more transcripts); c.253C>T, p.Pro85Ser (NM_001329944.2, NM_001329946.2, NM_001329947.2 and 1 more transcripts); short protein forms P70S, P85S, P97S.
Identifiers: ClinVar variation 2006073 (VCV002006073.4), dbSNP rs1566767332, ClinGen allele CA389859458.

ClinVar aggregate classification (germline): Uncertain significance (1 of 4 stars; one submission).

Conditions:
Short-rib thoracic dysplasia 14 with polydactyly (SRTD14). Identifiers: Orphanet 397715, MedGen C4225286, MONDO:0014688, OMIM 616546.
Joubert syndrome 23 (JBTS23). Identifiers: Orphanet 475, MedGen C4084822, MONDO:0014664, OMIM 616490.

Submission:

Labcorp Genetics (formerly Invitae), Labcorp
Classification: Uncertain significance for Joubert syndrome 23; Short-rib thoracic dysplasia 14 with polydactyly. Last evaluated: 2022-06-14. Review status: criteria provided, single submitter. Criteria: Invitae Variant Classification Sherloc (09022015). Collection method: clinical testing. Allele origin: germline.
Comment: This variant is not present in population databases (gnomAD no frequency). This sequence change replaces proline, which is neutral and non-polar, with serine, which is neutral and polar, at codon 97 of the KIAA0586 protein (p.Pro97Ser). This variant has not been reported in the literature in individuals affected with KIAA0586-related conditions. In summary, the available evidence is currently insufficient to determine the role of this variant in disease. Therefore, it has been classified as a Variant of Uncertain Significance. Algorithms developed to predict the effect of missense changes on protein structure and function output the following: SIFT: "Tolerated"; PolyPhen-2: "Benign"; Align-GVGD: "Class C0". The serine amino acid residue is found in multiple mammalian species, which suggests that this missense change does not adversely affect protein function.